The following is an entry in ClinVar:

NM_001354930.2(RIPK1):c.1042G>C (p.Gly348Arg)

Gene: RIPK1 (receptor interacting serine/threonine kinase 1; plus strand). Cytogenetic location: 6p25.2.
Variant type: single nucleotide variant.
Coding change: c.1042G>C on transcript NM_001354930.2 (MANE Select); coding-DNA position 1042, G replaced by C.
Protein change: p.Gly348Arg; replaces glycine 348 with arginine.
Molecular consequence: missense variant.
Genome position (GRCh38, 1-based): chr6:3,105,517, G>C. VCF-style: chr6-3105517-G-C. GRCh37 (hg19) VCF-style: chr6-3105751-G-C.
Other names: c.553G>C, p.Gly185Arg (NM_001317061.3, NM_001354932.2, NM_001354933.2 and 1 more transcripts); c.904G>C, p.Gly302Arg (NM_001354931.2); c.1042G>C, p.Gly348Arg (NM_003804.6); short protein forms G185R, G302R, G348R.
Identifiers: ClinVar variation 1959542 (VCV001959542.5), dbSNP rs760333581, ClinGen allele CA133455258.
Genomic context (GRCh38, chr6:3,105,517, plus strand): 5'-TCTAATGTTGATCATTTCTTCTCAGCCACAGAACAGCCTGGTTCACTGCACAGTTCCCAG[G>C]GACTTGGGATGGGTCCTGTGGAGGAGTCCTGGTTTGCTCCTTCCCTGGAGCACCCACAAG-3'
Protein context (NP_001341859.1, residues 338-358): EQPGSLHSSQ[Gly348Arg]LGMGPVEESW

ClinVar aggregate classification (germline): Uncertain significance (1 of 4 stars; one submission).

Allele frequency attached by ClinVar (database versions not stated): TOPMed below 0.00001.

Submission:

Labcorp Genetics (formerly Invitae), Labcorp
Classification: Uncertain significance. Last evaluated: 2025-09-14. Review status: criteria provided, single submitter. Criteria: Invitae Variant Classification Sherloc (09022015). Collection method: clinical testing. Allele origin: germline.
Comment: This sequence change replaces glycine, which is neutral and non-polar, with arginine, which is basic and polar, at codon 348 of the RIPK1 protein (p.Gly348Arg). This variant is present in population databases (no rsID available, gnomAD 0.004%). This variant has not been reported in the literature in individuals affected with RIPK1-related conditions. ClinVar contains an entry for this variant (Variation ID: 1959542). An algorithm developed to predict the effect of missense changes on protein structure and function (PolyPhen-2) suggests that this variant is likely to be disruptive. In summary, the available evidence is currently insufficient to determine the role of this variant in disease. Therefore, it has been classified as a Variant of Uncertain Significance.